The following is an entry in ClinVar:

ClinVar aggregate classification (germline): Conflicting classifications of pathogenicity. Review status: criteria provided, conflicting classifications (1 of 4 stars). 3 submissions from 3 submitters: Uncertain significance (2); Likely benign (1). Last evaluated 2026-09-08.

Conditions:
ARID1A-related disorder. Also called: ARID1A-related condition.

Allele frequency attached by ClinVar (database versions not stated): TOPMed below 0.00001; ExAC 0.00005.
gnomAD v4.1: 3 of 1,461,296 alleles (0.00021%); highest among the groups gnomAD compares: Admixed American, 0.003%; no homozygotes.

Submissions (3):

PreventionGenetics, part of Exact Sciences
Classification: Likely benign for ARID1A-related condition. Last evaluated: 2026-09-08. Review status: criteria provided, single submitter. Criteria: ACMG Guidelines, 2015. Collection method: clinical testing. Allele origin: germline.
Comment: This variant is classified as likely benign based on ACMG/AMP sequence variant interpretation guidelines (Richards et al. 2015 PMID: 25741868, with internal and published modifications).

Dasa
Classification: Uncertain significance. Last evaluated: 2025-11-12. Review status: criteria provided, single submitter. Criteria: DASA Assertion Criteria. Collection method: clinical testing. Allele origin: germline.
Comment: NM_006015.6(ARID1A):c.548C>T (p.Ala183Val) is a missense variant that results in the substitution of alanine with valine. This variant is rare in population databases. Computational prediction algorithms are consistent with a benign effect. The currently available literature and clinical evidence are not sufficient to establish a definitive association between this variant and the reported condition. Therefore, this variant is classified as a variant of uncertain significance.

Labcorp Genetics (formerly Invitae), Labcorp
Classification: Uncertain significance. Last evaluated: 2024-04-12. Review status: criteria provided, single submitter. Criteria: Invitae Variant Classification Sherloc (09022015). Collection method: clinical testing. Allele origin: germline.
Comment: This sequence change replaces alanine, which is neutral and non-polar, with valine, which is neutral and non-polar, at codon 183 of the ARID1A protein (p.Ala183Val). This variant is not present in population databases (gnomAD no frequency). This variant has not been reported in the literature in individuals affected with ARID1A-related conditions. Advanced modeling of protein sequence and biophysical properties (such as structural, functional, and spatial information, amino acid conservation, physicochemical variation, residue mobility, and thermodynamic stability) performed at Invitae indicates that this missense variant is not expected to disrupt ARID1A protein function with a negative predictive value of 95%. In summary, the available evidence is currently insufficient to determine the role of this variant in disease. Therefore, it has been classified as a Variant of Uncertain Significance.

NM_006015.6(ARID1A):c.548C>T (p.Ala183Val)

Gene: ARID1A (AT-rich interaction domain 1A; plus strand). Cytogenetic location: 1p36.11.
Variant type: single nucleotide variant.
Coding change: c.548C>T on transcript NM_006015.6 (MANE Select); coding-DNA position 548, C replaced by T.
Protein change: p.Ala183Val; replaces alanine 183 with valine.
Molecular consequence: missense variant.
Genome position (GRCh38, 1-based): chr1:26,696,951, C>T. VCF-style: chr1-26696951-C-T. GRCh37 (hg19) VCF-style: chr1-27023442-C-T.
Other names: c.548C>T, p.Ala183Val (NM_139135.4); short protein forms A183V.
Identifiers: ClinVar variation 3061664 (VCV003061664.7), dbSNP rs771692088, ClinGen allele CA706616.